The following is an entry in ClinVar:

ClinVar aggregate classification (germline): Conflicting classifications of pathogenicity. Review status: criteria provided, conflicting classifications (1 of 4 stars). 2 submissions from 2 submitters: Uncertain significance (1); Likely benign (1). Last evaluated 2023-03-23.

Conditions:
Hereditary cancer-predisposing syndrome. Also called: Neoplastic Syndromes, Hereditary; Tumor predisposition; Hereditary Cancer Syndrome; Hereditary neoplastic syndrome. Identifiers: Orphanet 140162, MedGen C0027672, MeSH D009386, MONDO:0015356.

Submissions (2):

University of Washington Department of Laboratory Medicine, University of Washington
Classification: Likely benign for Hereditary cancer-predisposing syndrome. Last evaluated: 2023-03-23. Review status: criteria provided, single submitter. Criteria: Dines et al. (Genet Med. 2020). Collection method: curation. Allele origin: germline.
Comment: Missense variant in a coldspot region where missense variants are very unlikely to be pathogenic (PMID:31911673).

BRCA2 exon 11 coldspot. Reclassification based on statistical prior probability.

Ambry Genetics
Classification: Uncertain significance for Hereditary cancer-predisposing syndrome. Last evaluated: 2022-03-21. Review status: criteria provided, single submitter. Criteria: Ambry Variant Classification Scheme 2023. Collection method: clinical testing. Allele origin: germline.
Comment: The p.L1240M variant (also known as c.3718C>A), located in coding exon 10 of the BRCA2 gene, results from a C to A substitution at nucleotide position 3718. The leucine at codon 1240 is replaced by methionine, an amino acid with highly similar properties. This amino acid position is highly conserved in available vertebrate species. In addition, the in silico prediction for this alteration is inconclusive. Since supporting evidence is limited at this time, the clinical significance of this alteration remains unclear.

NM_000059.4(BRCA2):c.3718C>A (p.Leu1240Met)

Gene: BRCA2 (BRCA2 DNA repair associated; plus strand). Cytogenetic location: 13q13.1.
Variant type: single nucleotide variant.
Coding change: c.3718C>A on transcript NM_000059.4 (MANE Select); coding-DNA position 3718, C replaced by A.
Protein change: p.Leu1240Met; replaces leucine 1240 with methionine.
Molecular consequence: missense variant.
Genome position (GRCh38, 1-based): chr13:32,338,073, C>A. VCF-style: chr13-32338073-C-A. GRCh37 (hg19) VCF-style: chr13-32912210-C-A.
Other names: c.3718C>A, p.Leu1240Met (NM_001406719.1, NM_001406720.1); short protein forms L1240M.
Identifiers: ClinVar variation 1734255 (VCV001734255.4), dbSNP rs2137499307, ClinGen allele CA387778080.